The following is an entry in ClinVar:

NM_133497.4(KCNV2):c.51C>A (p.Asn17Lys)

Gene: KCNV2 (potassium voltage-gated channel modifier subfamily V member 2; plus strand). Cytogenetic location: 9p24.2.
Variant type: single nucleotide variant.
Coding change: c.51C>A on transcript NM_133497.4 (MANE Select); coding-DNA position 51, C replaced by A.
Protein change: p.Asn17Lys; replaces asparagine 17 with lysine.
Molecular consequence: missense variant.
Genome position (GRCh38, 1-based): chr9:2,717,790, C>A. VCF-style: chr9-2717790-C-A. GRCh37 (hg19) VCF-style: chr9-2717790-C-A.
Other names: short protein forms N17K.
Identifiers: ClinVar variation 1992850 (VCV001992850.4), dbSNP rs1289682071, ClinGen allele CA372795542.

ClinVar aggregate classification (germline): Uncertain significance (1 of 4 stars; one submission).

Allele frequency attached by ClinVar (database versions not stated): gnomAD exomes below 0.00001.
gnomAD v4.1: 2 of 1,614,242 alleles (0.00012%); highest among the groups gnomAD compares: East Asian, 0.0022%; no homozygotes.

Submission:

Labcorp Genetics (formerly Invitae), Labcorp
Classification: Uncertain significance. Last evaluated: 2024-01-22. Review status: criteria provided, single submitter. Criteria: Invitae Variant Classification Sherloc (09022015). Collection method: clinical testing. Allele origin: germline.
Comment: This sequence change replaces asparagine, which is neutral and polar, with lysine, which is basic and polar, at codon 17 of the KCNV2 protein (p.Asn17Lys). This variant is present in population databases (no rsID available, gnomAD 0.006%). This variant has not been reported in the literature in individuals affected with KCNV2-related conditions. ClinVar contains an entry for this variant (Variation ID: 1992850). Advanced modeling of protein sequence and biophysical properties (such as structural, functional, and spatial information, amino acid conservation, physicochemical variation, residue mobility, and thermodynamic stability) performed at Invitae indicates that this missense variant is not expected to disrupt KCNV2 protein function with a negative predictive value of 95%. In summary, the available evidence is currently insufficient to determine the role of this variant in disease. Therefore, it has been classified as a Variant of Uncertain Significance.